The following is an entry in ClinVar:

ClinVar aggregate classification (germline): Uncertain significance (1 of 4 stars; one submission).

Conditions:
Paget disease of bone 2, early-onset (PDB2). Also called: Paget disease of bone 2. Identifiers: MedGen C4085251, MONDO:0011183, OMIM 602080.
Frontotemporal dementia and/or amyotrophic lateral sclerosis 1 (FTDALS1). Also called: C9orf72 Frontotemporal Dementia and/or Amyotrophic Lateral Sclerosis; Frontotemporal dementia with motor neuron disease 1. Identifiers: Orphanet 275872, MedGen C5779877, MONDO:0007105, OMIM 105550.

Allele frequency attached by ClinVar (database versions not stated): gnomAD 0.00001; TOPMed 0.00001; 1000 Genomes Project 30x 0.00016.
gnomAD v4.1: 4 of 1,339,260 alleles (0.0003%); highest among the groups gnomAD compares: Middle Eastern, 0.027%; no homozygotes.

Submission:

Labcorp Genetics (formerly Invitae), Labcorp
Classification: Uncertain significance for Paget disease of bone 2, early-onset; Frontotemporal dementia and/or amyotrophic lateral sclerosis 1. Last evaluated: 2023-06-09. Review status: criteria provided, single submitter. Criteria: Invitae Variant Classification Sherloc (09022015). Collection method: clinical testing. Allele origin: germline.
Comment: This variant has not been reported in the literature in individuals affected with SQSTM1-related conditions. ClinVar contains an entry for this variant (Variation ID: 1423748). Variants that disrupt the consensus splice site are a relatively common cause of aberrant splicing (PMID: 17576681, 9536098). Algorithms developed to predict the effect of sequence changes on RNA splicing suggest that this variant is not likely to affect RNA splicing. This variant is not present in population databases (gnomAD no frequency). This sequence change falls in intron 1 of the SQSTM1 gene. It does not directly change the encoded amino acid sequence of the SQSTM1 protein. It affects a nucleotide within the consensus splice site. In summary, the available evidence is currently insufficient to determine the role of this variant in disease. Therefore, it has been classified as a Variant of Uncertain Significance.

Literature cited by the submitters: PubMed 17576681; PubMed 9536098.

NM_003900.5(SQSTM1):c.205+6C>T

Genes: SQSTM1 (sequestosome 1; plus strand), LOC129995449 (ATAC-STARR-seq lymphoblastoid silent region 16749; plus strand). Cytogenetic location: 5q35.3.
Variant type: single nucleotide variant.
Coding change: c.205+6C>T on transcript NM_003900.5 (MANE Select); 6 bases into the intron after coding-DNA position 205, C replaced by T.
Molecular consequence: intron variant.
Genome position (GRCh38, 1-based): chr5:179,821,147, C>T. VCF-style: chr5-179821147-C-T. GRCh37 (hg19) VCF-style: chr5-179248147-C-T.
Other names: c.-47-1811C>T (NM_001142298.2, NM_001142299.2).
Identifiers: ClinVar variation 1423748 (VCV001423748.6), dbSNP rs1286712928, ClinGen allele CA808333432.